The following is an entry in ClinVar:

NM_000069.3(CACNA1S):c.2627T>A (p.Val876Glu)

Gene: CACNA1S (calcium voltage-gated channel subunit alpha1 S; minus strand). Cytogenetic location: 1q32.1.
Variant type: single nucleotide variant.
Coding change: c.2627T>A on transcript NM_000069.3 (MANE Select); coding-DNA position 2627, T replaced by A.
Protein change: p.Val876Glu; replaces valine 876 with glutamic acid.
Molecular consequence: missense variant.
Genome position (GRCh38, 1-based): chr1:201,066,917, A>T on the plus strand (T>A on the coding strand, the complement: CACNA1S is on the minus strand). VCF-style: chr1-201066917-A-T. GRCh37 (hg19) VCF-style: chr1-201036045-A-T.
Other names: short protein forms V876E.
Identifiers: ClinVar variation 17631 (VCV000017631.5), dbSNP rs267606698, ClinGen allele CA004028.

ClinVar aggregate classification (germline): Likely pathogenic. Review status: criteria provided, single submitter (1 of 4 stars). 3 submissions from 3 submitters: Likely pathogenic (1). 2 of the submissions do not count toward it. Last evaluated 2021-10-01.

Conditions:
Hypokalemic periodic paralysis, type 1. Also called: HypoPP; Hypokalemic Periodic Paralysis Type 1 (AD). Identifiers: Orphanet 681, MedGen C3714580, MONDO:0042979, OMIM 170400.

Submissions (3):

Laboratory of Medical Genetics, National & Kapodistrian University of Athens
Classification: Likely pathogenic for Hypokalemic periodic paralysis, type 1. Last evaluated: 2021-10-01. Review status: criteria provided, single submitter. Criteria: ACMG Guidelines, 2015. Collection method: clinical testing. Allele origin: unknown. Affected: yes.
Comment: PM2, PP3, PP5

OMIM
Classification: Pathogenic for HYPOKALEMIC PERIODIC PARALYSIS, TYPE 1. Last evaluated: 2009-11-01. Review status: no assertion criteria provided. Collection method: literature only. Allele origin: germline. Not counted in ClinVar's aggregate classification.

GeneReviews
No classification provided. Condition: Hypokalemic periodic paralysis, type 1. Review status: no classification provided. Collection method: literature only. Allele origin: germline. Not counted in ClinVar's aggregate classification.

Literature cited by the submitters: PubMed 34008892 (cited by Laboratory of Medical Genetics, National & Kapodistrian University of Athens); PubMed 19779499 (cited by OMIM).